The following is an entry in ClinVar:

NM_198252.3(GSN):c.-9-2079C>T

Gene: GSN (gelsolin; plus strand). Cytogenetic location: 9q33.2.
Variant type: single nucleotide variant.
Coding change: c.-9-2079C>T on transcript NM_198252.3 (MANE Select); 2079 bases into the intron before 9 bases upstream of the start codon, C replaced by T.
Molecular consequence: intron variant. On other transcripts: missense variant (1).
Genome position (GRCh38, 1-based): chr9:121,299,884, C>T. VCF-style: chr9-121299884-C-T. GRCh37 (hg19) VCF-style: chr9-124062162-C-T.
Other names: c.23C>T, p.Pro8Leu (NM_000177.5); c.-9-2079C>T (NM_001353054.1, NM_001353053.1, NM_001353060.2 and 5 more transcripts); c.-47-172C>T (NM_001353064.2, NM_001353066.2, NM_001353072.2 and 8 more transcripts); c.-1-2087C>T (NM_001353058.2, NM_001353059.2, NM_001353056.2 and 1 more transcripts); c.-38-181C>T (NM_001353073.2, NM_001353065.2, NM_001353068.2 and 2 more transcripts); c.100-2079C>T (NM_001127663.2); c.-32-187C>T (NM_001353070.2); c.-48-2040C>T (NM_001353055.2); and 3 more; short protein forms P8L.
Identifiers: ClinVar variation 4696695 (VCV004696695.1).

ClinVar aggregate classification (germline): Uncertain significance (1 of 4 stars; one submission).

gnomAD v4.1: 15 of 1,322,224 alleles (0.0011%); highest among the groups gnomAD compares: South Asian, 0.023%; no homozygotes.

Submission:

Labcorp Genetics (formerly Invitae), Labcorp
Classification: Uncertain significance. Last evaluated: 2025-06-29. Review status: criteria provided, single submitter. Criteria: Invitae Variant Classification Sherloc (09022015). Collection method: clinical testing. Allele origin: germline.
Comment: This sequence change replaces proline, which is neutral and non-polar, with leucine, which is neutral and non-polar, at codon 8 of the GSN protein (p.Pro8Leu). This variant is present in population databases (rs564685016, gnomAD no frequency). This variant has not been reported in the literature in individuals affected with GSN-related conditions. An algorithm developed to predict the effect of missense changes on protein structure and function outputs the following: PolyPhen-2: "Benign". The leucine amino acid residue is found in multiple mammalian species, which suggests that this missense change does not adversely affect protein function. In summary, the available evidence is currently insufficient to determine the role of this variant in disease. Therefore, it has been classified as a Variant of Uncertain Significance.